The following is an entry in ClinVar:

NM_018896.5(CACNA1G):c.858C>A (p.Pro286=)

Gene: CACNA1G (calcium voltage-gated channel subunit alpha1 G; plus strand). Cytogenetic location: 17q21.33.
Variant type: single nucleotide variant.
Coding change: c.858C>A on transcript NM_018896.5 (MANE Select); coding-DNA position 858, C replaced by A.
Protein change: p.Pro286=; no amino-acid change (proline 286 retained).
Molecular consequence: synonymous variant. On other transcripts: non-coding transcript variant (5).
Genome position (GRCh38, 1-based): chr17:50,572,665, C>A. VCF-style: chr17-50572665-C-A. GRCh37 (hg19) VCF-style: chr17-48650026-C-A.
Other names: c.858C>A, p.Pro286= (NM_001256324.2, NM_001256325.2, NM_001256326.2 and 24 more transcripts).
Identifiers: ClinVar variation 1302883 (VCV001302883.32), dbSNP rs56885413, ClinGen allele CA8652047.

ClinVar aggregate classification (germline): Benign/Likely benign. Review status: criteria provided, multiple submitters, no conflicts (2 of 4 stars). 5 submissions from 5 submitters: Benign (3); Likely benign (2). Last evaluated 2025-03-03.

Allele frequency attached by ClinVar (database versions not stated): gnomAD exomes 0.00026; ExAC 0.00045; ESP Exome Variant Server 0.00079; gnomAD 0.00092 and 0.00097; 1000 Genomes Project 30x 0.00094; 1000 Genomes Project 0.00120; TOPMed 0.00134.

Submissions (5):

Labcorp Genetics (formerly Invitae), Labcorp
Classification: Benign. Last evaluated: 2025-03-03. Review status: criteria provided, single submitter. Criteria: Invitae Variant Classification Sherloc (09022015). Collection method: clinical testing. Allele origin: germline.

Blueprint Genetics
Classification: Likely benign. Last evaluated: 2024-08-28. Review status: criteria provided, single submitter. Criteria: ACMG Guidelines, 2015. Collection method: clinical testing. Allele origin: germline.

CeGaT Center for Human Genetics Tuebingen
Classification: Likely benign. Last evaluated: 2023-01-01. Review status: criteria provided, single submitter. Criteria: CeGaT Center For Human Genetics Tuebingen Variant Classification Criteria Version 2. Collection method: clinical testing. Allele origin: germline. Affected: yes. Observed: 1 variant allele.
Comment: CACNA1G: BP4, BP7, BS1

GeneDx
Classification: Benign. Last evaluated: 2021-09-03. Review status: criteria provided, single submitter. Criteria: GeneDx Variant Classification Process June 2021. Collection method: clinical testing. Allele origin: germline. Affected: yes.

Breakthrough Genomics
Classification: Benign. Review status: criteria provided, single submitter. Criteria: ACMG Guidelines, 2015. Collection method: not provided. Allele origin: germline. Inheritance: Autosomal dominant inheritance. Affected: yes.